The following is an entry in ClinVar:

NM_024753.5(TTC21B):c.2393_2394delinsAA (p.Leu798Gln)

Gene: TTC21B (tetratricopeptide repeat domain 21B; minus strand). Cytogenetic location: 2q24.3.
Variant type: Indel.
Coding change: c.2393_2394delinsAA on transcript NM_024753.5 (MANE Select); coding-DNA positions 2393 to 2394, TC replaced by AA.
Protein change: p.Leu798Gln; replaces leucine 798 with glutamine.
Molecular consequence: missense variant.
Genome position (GRCh38, 1-based): chr2:165,911,394-165,911,395, GA replaced by TT on the plus strand (TC replaced by AA on the coding strand, the reverse complement: TTC21B is on the minus strand). VCF-style: chr2-165911394-GA-TT. GRCh37 (hg19) VCF-style: chr2-166767904-GA-TT.
Other names: short protein forms L798Q.
Identifiers: ClinVar variation 1383365 (VCV001383365.6), dbSNP rs2105318301, ClinGen allele CA2573133476.

ClinVar aggregate classification (germline): Uncertain significance (1 of 4 stars; one submission).

Conditions:
Nephronophthisis. Also called: Juvenile Nephronophthisis. Identifiers: Orphanet 655, MedGen C0687120, MONDO:0019005, HP:0000090.
Jeune thoracic dystrophy. Also called: Short-rib thoracic dysplasia; Jeune syndrome; Infantile thoracic dystrophy; Thoracic pelvic phalangeal dystrophy; Jeune's syndrome; Chondroectodermal dysplasia-like syndrome. Identifiers: Orphanet 474, MedGen C0265275, MONDO:0018770.

Submission:

Labcorp Genetics (formerly Invitae), Labcorp
Classification: Uncertain significance for Jeune thoracic dystrophy; Nephronophthisis. Last evaluated: 2022-01-13. Review status: criteria provided, single submitter. Criteria: Invitae Variant Classification Sherloc (09022015). Collection method: clinical testing. Allele origin: germline.
Comment: This variant has not been reported in the literature in individuals affected with TTC21B-related conditions. In summary, the available evidence is currently insufficient to determine the role of this variant in disease. Therefore, it has been classified as a Variant of Uncertain Significance. Algorithms developed to predict the effect of missense changes on protein structure and function are either unavailable or do not agree on the potential impact of this missense change (SIFT: "Not Available"; PolyPhen-2: "Probably Damaging"; Align-GVGD: "Not Available"). Information on the frequency of this variant in the gnomAD database is not available, as this variant may be reported differently in the database. This sequence change replaces leucine with glutamine at codon 798 of the TTC21B protein (p.Leu798Gln). The leucine residue is highly conserved and there is a moderate physicochemical difference between leucine and glutamine.